The following is an entry in ClinVar:

NM_004999.4(MYO6):c.1206_1215del (p.Lys403fs)

Gene: MYO6 (myosin VI; plus strand). Cytogenetic location: 6q14.1.
Variant type: Deletion.
Coding change: c.1206_1215del on transcript NM_004999.4 (MANE Select); coding-DNA positions 1206 to 1215, 10 bases deleted (CAAAGGAACA; older notation c.1206_1215delCAAAGGAACA).
Protein change: p.Lys403fs; shifts the reading frame from lysine 403.
Molecular consequence: frameshift variant. On other transcripts: non-coding transcript variant (1).
Genome position (GRCh38, 1-based): chr6:75,855,266-75,855,275, CAAAGGAACA deleted. VCF-style (leftmost placement, unchanged base first): chr6-75855265-CCAAAGGAACA-C. GRCh37 (hg19) VCF-style: chr6-76564982-CCAAAGGAACA-C.
Other names: c.1206_1215del, p.Lys403fs (NM_001300899.2, NM_001368136.1, NM_001368137.1 and 2 more transcripts); c.1191_1200del, p.Lys398fs (NM_001368138.1); short protein forms K403fs, K398fs.
Identifiers: ClinVar variation 3647345 (VCV003647345.2).

ClinVar aggregate classification (germline): Pathogenic (1 of 4 stars; one submission).

Submission:

Labcorp Genetics (formerly Invitae), Labcorp
Classification: Pathogenic. Last evaluated: 2025-01-20. Review status: criteria provided, single submitter. Criteria: Invitae Variant Classification Sherloc (09022015). Collection method: clinical testing. Allele origin: germline.
Comment: This sequence change creates a premature translational stop signal (p.Lys403Leufs*2) in the MYO6 gene. It is expected to result in an absent or disrupted protein product. Loss-of-function variants in MYO6 are known to be pathogenic (PMID: 12687499, 18348273, 23767834, 25999546, 30582396). This variant is not present in population databases (gnomAD no frequency). This variant has not been reported in the literature in individuals affected with MYO6-related conditions. Algorithms developed to predict the effect of sequence changes on RNA splicing suggest that this variant may create or strengthen a splice site. For these reasons, this variant has been classified as Pathogenic.

Literature cited by the submitters: PubMed 12687499; PubMed 18348273; PubMed 23767834; PubMed 25999546; PubMed 30582396.